The following is an entry in ClinVar:

NM_020964.3(EPG5):c.5971G>T (p.Glu1991Ter)

Gene: EPG5 (ectopic P-granules 5 autophagy tethering factor; minus strand). Cytogenetic location: 18q12.3.
Variant type: single nucleotide variant.
Coding change: c.5971G>T on transcript NM_020964.3 (MANE Select); coding-DNA position 5971, G replaced by T.
Protein change: p.Glu1991Ter; replaces glutamic acid 1991 with a stop codon.
Molecular consequence: nonsense.
Genome position (GRCh38, 1-based): chr18:45,876,314, C>A on the plus strand (G>T on the coding strand, the complement: EPG5 is on the minus strand). VCF-style: chr18-45876314-C-A. GRCh37 (hg19) VCF-style: chr18-43456279-C-A.
Other names: c.5971G>T, p.Glu1991Ter (NM_001410858.1); c.5968G>T, p.Glu1990Ter (NM_001410859.1); short protein forms E1990*, E1991*.
Identifiers: ClinVar variation 2764563 (VCV002764563.3), dbSNP rs2511547897, ClinGen allele CA402341568.

ClinVar aggregate classification (germline): Pathogenic (1 of 4 stars; one submission).

Conditions:
Vici syndrome (VICIS). Identifiers: Orphanet 1493, MedGen C1855772, MONDO:0009452, OMIM 242840.

Allele frequency attached by ClinVar (database versions not stated): gnomAD exomes below 0.00001.
gnomAD v4.1: 5 of 1,614,134 alleles (0.00031%); highest among the groups gnomAD compares: Non-Finnish European, 0.00042%; no homozygotes.

Submission:

Labcorp Genetics (formerly Invitae), Labcorp
Classification: Pathogenic for Vici syndrome. Last evaluated: 2023-09-30. Review status: criteria provided, single submitter. Criteria: Invitae Variant Classification Sherloc (09022015). Collection method: clinical testing. Allele origin: germline.
Comment: For these reasons, this variant has been classified as Pathogenic. This variant has not been reported in the literature in individuals affected with EPG5-related conditions. This variant is not present in population databases (gnomAD no frequency). This sequence change creates a premature translational stop signal (p.Glu1991*) in the EPG5 gene. It is expected to result in an absent or disrupted protein product. Loss-of-function variants in EPG5 are known to be pathogenic (PMID: 23222957, 23674064).

Literature cited by the submitters: PubMed 23222957; PubMed 23674064.